The following is an entry in ClinVar:

NM_002693.3(POLG):c.3686G>T (p.Gly1229Val)

Genes: FANCI (FA complementation group I; plus strand), POLG (DNA polymerase gamma, catalytic subunit; minus strand). Cytogenetic location: 15q26.1.
Variant type: single nucleotide variant.
Coding change: c.3686G>T on transcript NM_002693.3 (MANE Select); coding-DNA position 3686, G replaced by T.
Protein change: p.Gly1229Val; replaces glycine 1229 with valine.
Molecular consequence: missense variant. On other transcripts: 3 prime UTR variant (4).
Genome position (GRCh38, 1-based): chr15:89,316,785, C>A on the plus strand (G>T on the coding strand, the complement: POLG is on the minus strand). VCF-style: chr15-89316785-C-A. GRCh37 (hg19) VCF-style: chr15-89860016-C-A.
Other names: c.3686G>T, p.Gly1229Val (NM_001126131.2); c.*326C>A (NM_001113378.2, NM_001376910.1, NM_001376911.1 and 1 more transcripts); short protein forms G1229V.
Identifiers: ClinVar variation 2415416 (VCV002415416.7), dbSNP rs371454241, ClinGen allele CA7724038.

ClinVar aggregate classification (germline): Uncertain significance. Review status: criteria provided, multiple submitters, no conflicts (2 of 4 stars). 2 submissions from 2 submitters: Uncertain significance (2). Last evaluated 2022-08-18.

Conditions:
Progressive sclerosing poliodystrophy (MTDPS4A). Also called: Alpers-Huttenlocher Syndrome (AHS); ALPERS PROGRESSIVE INFANTILE POLIODYSTROPHY; Mitochondrial DNA Depletion Syndrome 4A; Mitochondrial DNA depletion syndrome 4A (Alpers type); Alpers Syndrome; ALPERS DIFFUSE DEGENERATION OF CEREBRAL GRAY MATTER WITH HEPATIC CIRRHOSIS. Identifiers: Orphanet 726, MedGen C0205710, MONDO:0008758, OMIM 203700.

Allele frequency attached by ClinVar (database versions not stated): ExAC 0.00001; gnomAD exomes 0.00001; ESP Exome Variant Server 0.00008.
gnomAD v4.1: 3 of 1,614,002 alleles (0.00019%); highest among the groups gnomAD compares: Non-Finnish European, 0.00025%; no homozygotes.

Submissions (2):

Blueprint Genetics
Classification: Uncertain significance. Last evaluated: 2022-08-18. Review status: criteria provided, single submitter. Criteria: ACMG Guidelines, 2015. Collection method: clinical testing. Allele origin: germline.

Labcorp Genetics (formerly Invitae), Labcorp
Classification: Uncertain significance for Progressive sclerosing poliodystrophy. Last evaluated: 2021-12-27. Review status: criteria provided, single submitter. Criteria: Invitae Variant Classification Sherloc (09022015). Collection method: clinical testing. Allele origin: germline.
Comment: This sequence change replaces glycine, which is neutral and non-polar, with valine, which is neutral and non-polar, at codon 1229 of the POLG protein (p.Gly1229Val). In summary, the available evidence is currently insufficient to determine the role of this variant in disease. Therefore, it has been classified as a Variant of Uncertain Significance. Algorithms developed to predict the effect of missense changes on protein structure and function are either unavailable or do not agree on the potential impact of this missense change (SIFT: "Deleterious"; PolyPhen-2: "Probably Damaging"; Align-GVGD: "Class C15"). This variant has not been reported in the literature in individuals affected with POLG-related conditions. This variant is present in population databases (rs371454241, gnomAD 0.002%).